The following is an entry in ClinVar:

ClinVar aggregate classification (germline): Pathogenic. Review status: criteria provided, multiple submitters, no conflicts (2 of 4 stars). 5 submissions from 5 submitters: Pathogenic (5). Last evaluated 2025-06-09.

Conditions:
Rubinstein-Taybi syndrome due to CREBBP mutations (RSTS1). Also called: Rubinstein-Taybi syndrome 1; CREBBP-Related Rubinstein-Taybi Syndrome; BROAD THUMBS AND GREAT TOES, CHARACTERISTIC FACIES, AND IMPAIRED INTELLECTUAL DEVELOPMENT; BROAD THUMB-HALLUX SYNDROME; RUBINSTEIN SYNDROME; RUBINSTEIN-TAYBI SYNDROME 1, INCOMPLETE. Identifiers: Orphanet 353277, Orphanet 783, MedGen C4551859, MONDO:0008393, OMIM 180849.

Submissions (5):

3billion
Classification: Pathogenic for Rubinstein-Taybi syndrome due to CREBBP mutations. Last evaluated: 2025-06-09. Review status: criteria provided, single submitter. Criteria: ACMG Guidelines, 2015. Collection method: clinical testing. Allele origin: germline. Affected: yes.
Comment: The variant is not observed in the gnomAD v4.1.0 dataset. Predicted Consequence/Location: Stop-gained (nonsense): predicted to result in a loss or disruption of normal protein function through nonsense-mediated decay (NMD) or protein truncation. Multiple pathogenic variants are reported downstream of the variant. The variant has been previously reported as assumed (i.e. paternity and maternity not confirmed) de novo in at least one similarly affected unrelated individual (PMID: 16021471). The variant has been reported at least twice as pathogenic with clinical assertions and evidence for the classification (ClinVar ID: VCV000158338 /PMID: 16021471 /3billion dataset). Therefore, this variant is classified as Pathogenic according to the recommendation of ACMG/AMP guideline.

GeneDx
Classification: Pathogenic. Last evaluated: 2023-05-18. Review status: criteria provided, single submitter. Criteria: GeneDx Variant Classification Process June 2021. Collection method: clinical testing. Allele origin: germline. Affected: yes.
Comment: Nonsense variant predicted to result in protein truncation or nonsense mediated decay in a gene for which loss-of-function is a known mechanism of disease; Not observed at significant frequency in large population cohorts (gnomAD); This variant is associated with the following publications: (PMID: 25525159, 16021471, 32827181, 32371413)

Wessex Regional Genetics Laboratory, Salisbury District Hospital
Classification: Pathogenic for Rubinstein-Taybi syndrome due to CREBBP mutations. Last evaluated: 2019-11-05. Review status: criteria provided, single submitter. Criteria: ACMG Guidelines, 2015. Collection method: clinical testing. Allele origin: de novo, unknown. Inheritance: Autosomal dominant inheritance. Affected: yes. Observed: 3 variant alleles.

Institute for Genomic Medicine (IGM) Clinical Laboratory, Nationwide Children's Hospital
Classification: Pathogenic for Rubinstein-Taybi syndrome due to CREBBP mutations. Last evaluated: 2017-11-04. Review status: criteria provided, single submitter. Criteria: ACMG Guidelines, 2015. Collection method: clinical testing. Allele origin: germline. Affected: yes.
Comment: [ACMG/AMP: PVS1, PS2, PM2, PP5] This alteration is a null variant in a gene where LOF is a known mechanism of disease [PVS1], is de novo in origin as it was not detected in the submitted parental specimens (identity confirmed) [PS2], is absent from or rarely observed in large-scale population databases [PM2], was reported as a pathogenic/likely pathogenic alteration by a reputable source (ClinVar or other correspondence from a clinical testing laboratory) [PP5].

Genetic Services Laboratory, University of Chicago
Classification: Pathogenic for Rubinstein-Taybi syndrome. Last evaluated: 2013-02-08. Review status: criteria provided, single submitter. Criteria: ACMG Guidelines, 2007. Collection method: clinical testing. Allele origin: germline. Inheritance: Autosomal dominant inheritance. Affected: yes.

Literature cited by the submitters: PubMed 16021471 (cited by 3billion).

NM_004380.3(CREBBP):c.1270C>T (p.Arg424Ter)

Gene: CREBBP (CREB binding lysine acetyltransferase; minus strand). Cytogenetic location: 16p13.3.
Variant type: single nucleotide variant.
Coding change: c.1270C>T on transcript NM_004380.3 (MANE Select); coding-DNA position 1270, C replaced by T.
Protein change: p.Arg424Ter; replaces arginine 424 with a stop codon.
Molecular consequence: nonsense. On other transcripts: intron variant (1).
Genome position (GRCh38, 1-based): chr16:3,792,041, G>A on the plus strand (C>T on the coding strand, the complement: CREBBP is on the minus strand). VCF-style: chr16-3792041-G-A. GRCh37 (hg19) VCF-style: chr16-3842042-G-A.
Other names: c.1216+1345C>T (NM_001079846.1); short protein forms R424*.
Identifiers: ClinVar variation 158338 (VCV000158338.16), dbSNP rs587783464, ClinGen allele CA271362.
Genomic context (GRCh38, chr16:3,792,041, plus strand): 5'-TTTGTTGGTTTCGCTTGTCACTGGCATTTTTCAAAGGGAGGCAAACAGGACAGTCATGTC[G>A]TGTGCAGTTCTTCCAATGAGAGATGATTTGTCGTGAAGATGCACAATGGGCAACTATGAC-3'